The following is an entry in ClinVar:

NM_001354483.2(CSGALNACT1):c.718A>G (p.Ile240Val)

Gene: CSGALNACT1 (chondroitin sulfate N-acetylgalactosaminyltransferase 1; minus strand). Cytogenetic location: 8p21.3.
Variant type: single nucleotide variant.
Coding change: c.718A>G on transcript NM_001354483.2 (MANE Select); coding-DNA position 718, A replaced by G.
Protein change: p.Ile240Val; replaces isoleucine 240 with valine.
Molecular consequence: missense variant. On other transcripts: non-coding transcript variant (7).
Genome position (GRCh38, 1-based): chr8:19,458,559, T>C on the plus strand (A>G on the coding strand, the complement: CSGALNACT1 is on the minus strand). VCF-style: chr8-19458559-T-C. GRCh37 (hg19) VCF-style: chr8-19316070-T-C.
Other names: c.718A>G (NM_001130518.1); c.718A>G, p.Ile240Val (NM_001130518.2, NM_001354475.2, NM_001354476.2 and 18 more transcripts); short protein forms I240V.
Identifiers: ClinVar variation 1634097 (VCV001634097.18), dbSNP rs151311119, ClinGen allele CA4654137.

ClinVar aggregate classification (germline): Likely benign. Review status: criteria provided, multiple submitters, no conflicts (2 of 4 stars). 4 submissions from 4 submitters: Likely benign (3). 1 of the submissions does not count toward it. Last evaluated 2025-12-22.

Conditions:
CSGALNACT1-related disorder. Also called: CSGALNACT1-related condition.

Allele frequency attached by ClinVar (database versions not stated): ESP Exome Variant Server 0.00077; 1000 Genomes Project 30x 0.00078; 1000 Genomes Project 0.00080; gnomAD 0.00085 and 0.00094; gnomAD exomes 0.00089 and 0.00116; TOPMed 0.00092; ExAC 0.00119.
gnomAD v4.1: 1,491 of 1,613,680 alleles (0.092%); highest among the groups gnomAD compares: Middle Eastern, 1.6%; 5 homozygotes.

Submissions (4):

Labcorp Genetics (formerly Invitae), Labcorp
Classification: Likely benign. Last evaluated: 2025-12-22. Review status: criteria provided, single submitter. Criteria: Invitae Variant Classification Sherloc (09022015). Collection method: clinical testing. Allele origin: germline.

CeGaT Center for Human Genetics Tuebingen
Classification: Likely benign. Last evaluated: 2025-09-01. Review status: criteria provided, single submitter. Criteria: CeGaT Center For Human Genetics Tuebingen Variant Classification Criteria Version 2. Collection method: clinical testing. Allele origin: germline. Affected: yes. Observed: 1 variant allele.
Comment: CSGALNACT1: BP4, BS2

Breakthrough Genomics
Classification: Likely benign. Review status: criteria provided, single submitter. Criteria: ACMG Guidelines, 2015. Collection method: not provided. Allele origin: germline. Inheritance: Autosomal recessive inheritance. Affected: yes.

PreventionGenetics, part of Exact Sciences
Classification: Likely benign for CSGALNACT1-related condition. Last evaluated: 2022-04-01. Review status: no assertion criteria provided. Collection method: clinical testing. Allele origin: germline. Not counted in ClinVar's aggregate classification.
Comment: This variant is classified as likely benign based on ACMG/AMP sequence variant interpretation guidelines (Richards et al. 2015 PMID: 25741868, with internal and published modifications).